The following is an entry in ClinVar:

NM_001039141.3(TRIOBP):c.6360C>T (p.Ser2120=)

Gene: TRIOBP (TRIO and F-actin binding protein; plus strand). Cytogenetic location: 22q13.1.
Variant type: single nucleotide variant.
Coding change: c.6360C>T on transcript NM_001039141.3 (MANE Select); coding-DNA position 6360, C replaced by T.
Protein change: p.Ser2120=; no amino-acid change (serine 2120 retained).
Molecular consequence: synonymous variant.
Genome position (GRCh38, 1-based): chr22:37,765,705, C>T. VCF-style: chr22-37765705-C-T. GRCh37 (hg19) VCF-style: chr22-38161712-C-T.
Other names: c.1221C>T, p.Ser407= (NM_007032.5).
Identifiers: ClinVar variation 501009 (VCV000501009.11), dbSNP rs375936342, ClinGen allele CA10225010.

ClinVar aggregate classification (germline): Conflicting classifications of pathogenicity. Review status: criteria provided, conflicting classifications (1 of 4 stars). 3 submissions from 3 submitters: Uncertain significance (1); Likely benign (2). Last evaluated 2025-11-11.

Allele frequency attached by ClinVar (database versions not stated): gnomAD exomes 0.00001 and 0.00003; ExAC 0.00010; ESP Exome Variant Server 0.00016; gnomAD 0.00020 and 0.00021; TOPMed 0.00022.
gnomAD v4.1: 41 of 1,554,638 alleles (0.0026%); highest among the groups gnomAD compares: African/African-American, 0.053%; 1 homozygote.

Submissions (3):

Labcorp Genetics (formerly Invitae), Labcorp
Classification: Likely benign. Last evaluated: 2025-11-11. Review status: criteria provided, single submitter. Criteria: Invitae Variant Classification Sherloc (09022015). Collection method: clinical testing. Allele origin: germline.

GeneDx
Classification: Likely benign. Last evaluated: 2018-03-19. Review status: criteria provided, single submitter. Criteria: GeneDx Variant Classification (06012015). Collection method: clinical testing. Allele origin: germline. Affected: yes.
Comment: This variant is considered likely benign or benign based on one or more of the following criteria: it is a conservative change, it occurs at a poorly conserved position in the protein, it is predicted to be benign by multiple in silico algorithms, and/or has population frequency not consistent with disease.

Eurofins Ntd Llc (ga)
Classification: Uncertain significance. Last evaluated: 2017-03-27. Review status: criteria provided, single submitter. Criteria: EGL Classification Definitions 2015. Collection method: clinical testing. Allele origin: germline. Observed: 1 variant allele, 1 heterozygote.